The following is an entry in ClinVar:

NM_000416.3(IFNGR1):c.26T>A (p.Leu9His)

Gene: IFNGR1 (interferon gamma receptor 1; minus strand). Cytogenetic location: 6q23.3.
Variant type: single nucleotide variant.
Coding change: c.26T>A on transcript NM_000416.3 (MANE Select); coding-DNA position 26, T replaced by A.
Protein change: p.Leu9His; replaces leucine 9 with histidine.
Molecular consequence: missense variant.
Genome position (GRCh38, 1-based): chr6:137,219,302, A>T on the plus strand (T>A on the coding strand, the complement: IFNGR1 is on the minus strand). VCF-style: chr6-137219302-A-T. GRCh37 (hg19) VCF-style: chr6-137540439-A-T.
Other names: short protein forms L9H.
Identifiers: ClinVar variation 951591 (VCV000951591.10), dbSNP rs201275515, ClinGen allele CA4019109.

ClinVar aggregate classification (germline): Uncertain significance. Review status: criteria provided, multiple submitters, no conflicts (2 of 4 stars). 2 submissions from 2 submitters: Uncertain significance (2). Last evaluated 2025-12-11.

Conditions:
IFNGR1-related disorder. Also called: IFNGR1-related condition.
Disseminated atypical mycobacterial infection. Identifiers: MedGen C0694566.

Allele frequency attached by ClinVar (database versions not stated): gnomAD exomes 0.00001 and 0.00002; ExAC 0.00002; gnomAD 0.00005; TOPMed 0.00005.
gnomAD v4.1: 19 of 1,610,726 alleles (0.0012%); highest among the groups gnomAD compares: East Asian, 0.0022%; no homozygotes.

Submissions (2):

Labcorp Genetics (formerly Invitae), Labcorp
Classification: Uncertain significance for Disseminated atypical mycobacterial infection. Last evaluated: 2025-12-11. Review status: criteria provided, single submitter. Criteria: Invitae Variant Classification Sherloc (09022015). Collection method: clinical testing. Allele origin: germline.
Comment: This sequence change replaces leucine, which is neutral and non-polar, with histidine, which is basic and polar, at codon 9 of the IFNGR1 protein (p.Leu9His). This variant is present in population databases (rs201275515, gnomAD 0.006%). This variant has not been reported in the literature in individuals affected with IFNGR1-related conditions. ClinVar contains an entry for this variant (Variation ID: 951591). An algorithm developed to predict the effect of missense changes on protein structure and function (PolyPhen-2) suggests that this variant is likely to be disruptive. In summary, the available evidence is currently insufficient to determine the role of this variant in disease. Therefore, it has been classified as a Variant of Uncertain Significance.

PreventionGenetics, part of Exact Sciences
Classification: Uncertain significance for IFNGR1-related condition. Last evaluated: 2025-05-07. Review status: criteria provided, single submitter. Criteria: ACMG Guidelines, 2015. Collection method: clinical testing. Allele origin: germline.
Comment: The IFNGR1 c.26T>A variant is predicted to result in the amino acid substitution p.Leu9His. To our knowledge, this variant has not been reported in the literature. This variant is reported in 0.0051% of alleles in individuals of East Asian descent in gnomAD. At this time, the clinical significance of this variant is uncertain due to the absence of conclusive functional and genetic evidence.